The following is an entry in ClinVar:

ClinVar aggregate classification (germline): Conflicting classifications of pathogenicity. Review status: criteria provided, conflicting classifications (1 of 4 stars). 3 submissions from 3 submitters: Uncertain significance (1); Benign (1); Likely benign (1). Last evaluated 2024-11-25.

Conditions:
CHD4-related disorder. Also called: CHD4-related condition.
Inborn genetic diseases. Identifiers: MedGen C0950123, MeSH D030342.

Allele frequency attached by ClinVar (database versions not stated): gnomAD exomes 0.00002; ExAC 0.00003; gnomAD 0.00009 and 0.00010; TOPMed 0.00014.
gnomAD v4.1: 49 of 1,565,442 alleles (0.0031%); highest among the groups gnomAD compares: Middle Eastern, 0.086%; 1 homozygote.

Submissions (3):

PreventionGenetics, part of Exact Sciences
Classification: Likely benign for CHD4-related condition. Last evaluated: 2024-11-25. Review status: criteria provided, single submitter. Criteria: ACMG Guidelines, 2015. Collection method: clinical testing. Allele origin: germline.
Comment: This variant is classified as likely benign based on ACMG/AMP sequence variant interpretation guidelines (Richards et al. 2015 PMID: 25741868, with internal and published modifications).

Labcorp Genetics (formerly Invitae), Labcorp
Classification: Benign. Last evaluated: 2022-07-19. Review status: criteria provided, single submitter. Criteria: Invitae Variant Classification Sherloc (09022015). Collection method: clinical testing. Allele origin: germline.

Ambry Genetics
Classification: Uncertain significance for Inborn genetic diseases. Last evaluated: 2022-02-15. Review status: criteria provided, single submitter. Criteria: Ambry Variant Classification Scheme 2023. Collection method: clinical testing. Allele origin: germline.
Comment: The c.800-3T>C intronic alteration consists of a T to C substitution 3 nucleotides before coding exon 6 in the CHD4 gene. Based on insufficient or conflicting evidence, the clinical significance of this alteration remains unclear.

NM_001273.5(CHD4):c.800-3T>C

Gene: CHD4 (chromodomain helicase DNA binding protein 4; minus strand). Cytogenetic location: 12p13.31.
Variant type: single nucleotide variant.
Coding change: c.800-3T>C on transcript NM_001273.5 (MANE Select); 3 bases into the intron before coding-DNA position 800, T replaced by C.
Molecular consequence: intron variant.
Genome position (GRCh38, 1-based): chr12:6,601,056, A>G on the plus strand (T>C on the coding strand, the complement: CHD4 is on the minus strand). VCF-style: chr12-6601056-A-G. GRCh37 (hg19) VCF-style: chr12-6710222-A-G.
Other names: c.800-3T>C (NM_001273.3, NM_001363606.2, NM_001273.2); c.779-3T>C (NM_001297553.2).
Identifiers: ClinVar variation 1387082 (VCV001387082.8), dbSNP rs746196724, ClinGen allele CA6412403.